The following is an entry in ClinVar:

NM_024529.5(CDC73):c.701G>A (p.Arg234Gln)

Gene: CDC73 (cell division cycle 73; plus strand). Cytogenetic location: 1q31.2.
Variant type: single nucleotide variant.
Coding change: c.701G>A on transcript NM_024529.5 (MANE Select); coding-DNA position 701, G replaced by A.
Protein change: p.Arg234Gln; replaces arginine 234 with glutamine.
Molecular consequence: missense variant.
Genome position (GRCh38, 1-based): chr1:193,142,038, G>A. VCF-style: chr1-193142038-G-A. GRCh37 (hg19) VCF-style: chr1-193111168-G-A.
Other names: short protein forms R234Q.
Identifiers: ClinVar variation 2562072 (VCV002562072.3), dbSNP rs1452051467, ClinGen allele CA343962796.
Genomic context (GRCh38, chr1:193,142,038, plus strand): 5'-TGGATGCTGAGGTAGATGTGACCCGAGATATTGTCAGCAGAGAGAGAGTATGGAGGACAC[G>A]AACAACTATCTTACAAAGCACAGGAAAGGTAATTAAAATATTTTACTCATTCATTGGAGT-3'
Protein context (NP_078805.3, residues 224-244): IVSRERVWRT[Arg234Gln]TTILQSTGKN

ClinVar aggregate classification (germline): Uncertain significance. Review status: criteria provided, multiple submitters, no conflicts (2 of 4 stars). 2 submissions from 2 submitters: Uncertain significance (2). Last evaluated 2024-05-25.

Conditions:
Hereditary cancer-predisposing syndrome. Also called: Tumor predisposition; Hereditary neoplastic syndrome; Neoplastic Syndromes, Hereditary; Hereditary Cancer Syndrome. Identifiers: Orphanet 140162, MedGen C0027672, MeSH D009386, MONDO:0015356.
Hyperparathyroidism 1 (HRPT1). Also called: HYPERPARATHYROIDISM, FAMILIAL ISOLATED PRIMARY. Identifiers: Orphanet 99879, MedGen C1840402, MONDO:0007767, OMIM 145000.
Parathyroid carcinoma (PRTC). Also called: CDC73-Related Parathyroid Carcinoma; Parathyroid gland carcinoma. Identifiers: Orphanet 143, MedGen C0687150, MONDO:0012004, OMIM 608266, HP:0006780.
Hyperparathyroidism 2 with jaw tumors. Also called: Hyperparathyroidism-Jaw Tumor Syndrome; HYPERPARATHYROIDISM, FAMILIAL PRIMARY, WITH MULTIPLE OSSIFYING JAW FIBROMAS; HYPERPARATHYROIDISM-JAW TUMOR SYNDROME, HEREDITARY; Hyperparathyroidism 2. Identifiers: Orphanet 99880, MedGen C1704981, MONDO:0007768, OMIM 145001.

Allele frequency attached by ClinVar (database versions not stated): gnomAD 0.00001.
gnomAD v4.1: 4 of 1,613,320 alleles (0.00025%); highest among the groups gnomAD compares: East Asian, 0.0045%; no homozygotes.

Submissions (2):

Fulgent Genetics
Classification: Uncertain significance for Hyperparathyroidism 1; Hyperparathyroidism 2 with jaw tumors; Parathyroid carcinoma. Last evaluated: 2024-05-25. Review status: criteria provided, single submitter. Criteria: ACMG Guidelines, 2015. Collection method: clinical testing. Allele origin: germline.

Ambry Genetics
Classification: Uncertain significance for Hereditary cancer-predisposing syndrome. Last evaluated: 2023-04-18. Review status: criteria provided, single submitter. Criteria: Ambry Variant Classification Scheme 2023. Collection method: clinical testing. Allele origin: germline.
Comment: The p.R234Q variant (also known as c.701G>A), located in coding exon 7 of the CDC73 gene, results from a G to A substitution at nucleotide position 701. The arginine at codon 234 is replaced by glutamine, an amino acid with highly similar properties. This amino acid position is conserved. In addition, this alteration is predicted to be deleterious by in silico analysis. Since supporting evidence is limited at this time, the clinical significance of this alteration remains unclear.